The following is an entry in ClinVar:

NM_024649.5(BBS1):c.1661G>C (p.Ser554Thr)

Genes: BBS1 (Bardet-Biedl syndrome 1; plus strand), ZDHHC24 (zDHHC palmitoyltransferase 24; minus strand). Cytogenetic location: 11q13.2.
Variant type: single nucleotide variant.
Coding change: c.1661G>C on transcript NM_024649.5 (MANE Select); coding-DNA position 1661, G replaced by C.
Protein change: p.Ser554Thr; replaces serine 554 with threonine.
Molecular consequence: missense variant. On other transcripts: intron variant (1).
Genome position (GRCh38, 1-based): chr11:66,531,708, G>C. VCF-style: chr11-66531708-G-C. GRCh37 (hg19) VCF-style: chr11-66299179-G-C.
Other names: c.560-2220C>G (NM_001348571.2); short protein forms S554T.
Identifiers: ClinVar variation 4978629 (VCV004978629.1).

ClinVar aggregate classification (germline): Uncertain significance (1 of 4 stars; one submission).

Conditions:
BBS1-related disorder. Also called: BBS1-related condition.

gnomAD v4.1: 11 of 1,614,142 alleles (0.00068%); highest among the groups gnomAD compares: Non-Finnish European, 0.00076%; no homozygotes.

Submission:

PreventionGenetics, part of Exact Sciences
Classification: Uncertain significance for BBS1-related condition. Last evaluated: 2024-10-25. Review status: criteria provided, single submitter. Criteria: ACMG Guidelines, 2015. Collection method: clinical testing. Allele origin: germline.
Comment: The BBS1 c.1661G>C variant is predicted to result in the amino acid substitution p.Ser554Thr. To our knowledge, this variant has not been reported in the literature. This variant is reported in 0.00088% of alleles in individuals of European (Non-Finnish) descent in gnomAD. At this time, the clinical significance of this variant is uncertain due to the absence of conclusive functional and genetic evidence.